The following is an entry in ClinVar:

NM_001184.4(ATR):c.5492T>C (p.Ile1831Thr)

Gene: ATR (ATR checkpoint kinase; minus strand). Cytogenetic location: 3q23.
Variant type: single nucleotide variant.
Coding change: c.5492T>C on transcript NM_001184.4 (MANE Select); coding-DNA position 5492, T replaced by C.
Protein change: p.Ile1831Thr; replaces isoleucine 1831 with threonine.
Molecular consequence: missense variant.
Genome position (GRCh38, 1-based): chr3:142,498,663, A>G on the plus strand (T>C on the coding strand, the complement: ATR is on the minus strand). VCF-style: chr3-142498663-A-G. GRCh37 (hg19) VCF-style: chr3-142217505-A-G.
Other names: c.5300T>C, p.Ile1767Thr (NM_001354579.2); short protein forms I1831T, I1767T.
Identifiers: ClinVar variation 1747865 (VCV001747865.2), dbSNP rs2473164861, ClinGen allele CA354815722.

ClinVar aggregate classification (germline): Uncertain significance (1 of 4 stars; one submission).

Conditions:
Inborn genetic diseases. Identifiers: MedGen C0950123, MeSH D030342.

Submission:

Ambry Genetics
Classification: Uncertain significance for Inborn genetic diseases. Last evaluated: 2022-02-23. Review status: criteria provided, single submitter. Criteria: Ambry Variant Classification Scheme 2023. Collection method: clinical testing. Allele origin: germline.
Comment: The p.I1831T variant (also known as c.5492T>C), located in coding exon 32 of the ATR gene, results from a T to C substitution at nucleotide position 5492. The isoleucine at codon 1831 is replaced by threonine, an amino acid with similar properties. This amino acid position is conserved. In addition, the in silico prediction for this alteration is inconclusive. Since supporting evidence is limited at this time, the clinical significance of this alteration remains unclear.